The following is an entry in ClinVar:

ClinVar aggregate classification (germline): Likely pathogenic (1 of 4 stars; one submission).

Conditions:
Hypohidrotic X-linked ectodermal dysplasia (XHED). Also called: ECTODERMAL DYSPLASIA, HYPOHIDROTIC, 1; CST SYNDROME; Anhidrotic ectodermal dysplasia X-linked; Christ Siemens Touraine syndrome; ECTODERMAL DYSPLASIA 1, HYPOHIDROTIC, X-LINKED; ECTODERMAL DYSPLASIA 1, HYPOHIDROTIC/HAIR/TOOTH TYPE, X-LINKED. Identifiers: Orphanet 181, Orphanet 238468, MedGen C0162359, MONDO:0010585, OMIM 305100.

Allele frequency attached by ClinVar (database versions not stated): gnomAD 0.00001.
gnomAD v4.1: 1 of 1,210,427 alleles (0.000083%); highest among the groups gnomAD compares: African/African-American, 0.0017%; no homozygotes.

Submission:

Labcorp Genetics (formerly Invitae), Labcorp
Classification: Likely pathogenic for Hypohidrotic X-linked ectodermal dysplasia. Last evaluated: 2024-02-08. Review status: criteria provided, single submitter. Criteria: Invitae Variant Classification Sherloc (09022015). Collection method: clinical testing. Allele origin: germline.
Comment: This sequence change replaces arginine, which is basic and polar, with glycine, which is neutral and non-polar, at codon 276 of the EDA protein (p.Arg276Gly). This variant is not present in population databases (gnomAD no frequency). This variant has not been reported in the literature in individuals affected with EDA-related conditions. ClinVar contains an entry for this variant (Variation ID: 2417023). Advanced modeling of protein sequence and biophysical properties (such as structural, functional, and spatial information, amino acid conservation, physicochemical variation, residue mobility, and thermodynamic stability) performed at Invitae indicates that this missense variant is expected to disrupt EDA protein function with a positive predictive value of 80%. This variant disrupts the p.Arg276 amino acid residue in EDA. Other variant(s) that disrupt this residue have been determined to be pathogenic (PMID: 19921643, 21357618; Invitae). This suggests that this residue is clinically significant, and that variants that disrupt this residue are likely to be disease-causing. In summary, the currently available evidence indicates that the variant is pathogenic, but additional data are needed to prove that conclusively. Therefore, this variant has been classified as Likely Pathogenic.

Literature cited by the submitters: PubMed 19921643; PubMed 21357618.

NM_001399.5(EDA):c.826C>G (p.Arg276Gly)

Gene: EDA (ectodysplasin A; plus strand). Cytogenetic location: Xq13.1.
Variant type: single nucleotide variant.
Coding change: c.826C>G on transcript NM_001399.5 (MANE Select); coding-DNA position 826, C replaced by G.
Protein change: p.Arg276Gly; replaces arginine 276 with glycine.
Molecular consequence: missense variant.
Genome position (GRCh38, 1-based): chrX:70,033,430, C>G. VCF-style: chrX-70033430-C-G. GRCh37 (hg19) VCF-style: chrX-69253280-C-G.
Other names: c.826C>G, p.Arg276Gly (NM_001005609.2); c.817C>G, p.Arg273Gly (NM_001005612.3); short protein forms R273G, R276G.
Identifiers: ClinVar variation 2417023 (VCV002417023.5), dbSNP rs387907197, ClinGen allele CA413448825.